The following is an entry in ClinVar:

ClinVar aggregate classification (germline): Uncertain significance. Review status: criteria provided, multiple submitters, no conflicts (2 of 4 stars). 2 submissions from 2 submitters: Uncertain significance (2). Last evaluated 2025-01-28.

Conditions:
Hereditary cancer-predisposing syndrome. Also called: Neoplastic Syndromes, Hereditary; Tumor predisposition; Hereditary Cancer Syndrome; Hereditary neoplastic syndrome. Identifiers: Orphanet 140162, MedGen C0027672, MeSH D009386, MONDO:0015356.

Allele frequency attached by ClinVar (database versions not stated): TOPMed below 0.00001; gnomAD 0.00001.
gnomAD v4.1: 2 of 1,613,842 alleles (0.00012%); highest among the groups gnomAD compares: Non-Finnish European, 0.00017%; no homozygotes.

Submissions (2):

Ambry Genetics
Classification: Uncertain significance for Hereditary cancer-predisposing syndrome. Last evaluated: 2025-01-28. Review status: criteria provided, single submitter. Criteria: Ambry Variant Classification Scheme 2023. Collection method: clinical testing. Allele origin: germline.
Comment: The p.L378P variant (also known as c.1133T>C), located in coding exon 8 of the RAD50 gene, results from a T to C substitution at nucleotide position 1133. The leucine at codon 378 is replaced by proline, an amino acid with similar properties. This variant was not reported in population based cohorts in the following databases: Database of Single Nucleotide Polymorphisms (dbSNP), NHLBI Exome Sequencing Project (ESP), and 1000 Genomes Project. In the ESP, this variant was not observed in 6503 samples (13006 alleles) with coverage at this position. To date, this alteration has been detected with an allele frequency of approximately 0.001% (greater than 175000 alleles tested) in our clinical cohort. This amino acid position is highly conserved in available vertebrate species. In addition, the in silico prediction for this alteration is inconclusive. Since supporting evidence is limited at this time, the clinical significance of this alteration remains unclear.

Labcorp Genetics (formerly Invitae), Labcorp
Classification: Uncertain significance for Hereditary cancer-predisposing syndrome. Last evaluated: 2020-06-18. Review status: criteria provided, single submitter. Criteria: Invitae Variant Classification Sherloc (09022015). Collection method: clinical testing. Allele origin: germline.
Comment: In summary, the available evidence is currently insufficient to determine the role of this variant in disease. Therefore, it has been classified as a Variant of Uncertain Significance. Algorithms developed to predict the effect of missense changes on protein structure and function are either unavailable or do not agree on the potential impact of this missense change (SIFT: "Deleterious"; PolyPhen-2: "Probably Damaging"; Align-GVGD: "Class C0"). This variant has not been reported in the literature in individuals with RAD50-related disease. ClinVar contains an entry for this variant (Variation ID: 484672). This variant is not present in population databases (ExAC no frequency). This sequence change replaces leucine with proline at codon 378 of the RAD50 protein (p.Leu378Pro). The leucine residue is highly conserved and there is a moderate physicochemical difference between leucine and proline.

NM_005732.4(RAD50):c.1133T>C (p.Leu378Pro)

Gene: RAD50 (RAD50 double strand break repair protein; plus strand). Cytogenetic location: 5q31.1.
Variant type: single nucleotide variant.
Coding change: c.1133T>C on transcript NM_005732.4 (MANE Select); coding-DNA position 1133, T replaced by C.
Protein change: p.Leu378Pro; replaces leucine 378 with proline.
Molecular consequence: missense variant.
Genome position (GRCh38, 1-based): chr5:132,588,768, T>C. VCF-style: chr5-132588768-T-C. GRCh37 (hg19) VCF-style: chr5-131924460-T-C.
Other names: short protein forms L378P.
Identifiers: ClinVar variation 484672 (VCV000484672.17), dbSNP rs1328562388, ClinGen allele CA360942559.
Genomic context (GRCh38, chr5:132,588,768, plus strand): 5'-ATCGCCATCAAGAACATATCCGAGCTAGAGATTCATTAATTCAGTCTTTGGCAACACAGC[T>C]AGAATTGGATGGCTTTGAGCGTGGACCATTCAGTGAAAGACAGATTAAAAATTTTCACAA-3'
Protein context (NP_005723.2, residues 368-388): DSLIQSLATQ[Leu378Pro]ELDGFERGPF